The following is an entry in ClinVar:

ClinVar aggregate classification (germline): Likely pathogenic (1 of 4 stars; one submission).

Conditions:
EEF2-related neurodevelopmental disorder with multiple anomalies.

Submission:

3billion
Classification: Likely pathogenic for EEF2-related neurodevelopmental disorder with multiple anomalies. Last evaluated: 2023-10-27. Review status: criteria provided, single submitter. Criteria: ACMG Guidelines, 2015. Collection method: clinical testing. Allele origin: germline. Affected: yes.
Comment: The variant is not observed in the gnomAD v2.1.1 dataset. Predicted Consequence/Location: Frameshift variant Therefore, this variant is classified as VUS according to the recommendation of ACMG/AMP guideline.

NM_001961.4(EEF2):c.2008dup (p.Gln670fs)

Gene: EEF2 (eukaryotic translation elongation factor 2; minus strand). Cytogenetic location: 19p13.3.
Variant type: Duplication.
Coding change: c.2008dup on transcript NM_001961.4 (MANE Select); coding-DNA position 2008, one base duplicated (C; older notation c.2008dupC).
Protein change: p.Gln670fs; shifts the reading frame from glutamine 670.
Molecular consequence: frameshift variant.
Genome position (GRCh38, 1-based): chr19:3,977,878, G duplicated on the plus strand (C on the coding strand, the reverse complement: EEF2 is on the minus strand). VCF-style (leftmost placement, unchanged base first): chr19-3977877-T-TG. GRCh37 (hg19) VCF-style: chr19-3977875-T-TG.
Other names: short protein forms Q670fs.
Identifiers: ClinVar variation 3775634 (VCV003775634.1).
Genomic context (GRCh38, chr19:3,977,877, plus strand): 5'-ACCTCCTTGGTGGCCCACTGGAAGCCGGCCACCACACTGTCCTTGATCTCGTTGAGGTAC[T>TG]GCACACCCTTGGTGATGTCGGTGAGGATGTTGGGGCCGGTGCCGTCGGGCCCAAAGCACC-3'